The following is an entry in ClinVar:

ClinVar aggregate classification (germline): Uncertain significance (1 of 4 stars; one submission).

Conditions:
Glycine encephalopathy. Also called: Non-ketotic hyperglycinemia; Nonketotic hyperglycinemia. Identifiers: Orphanet 407, MedGen C0751748, MONDO:0011612, HP:0008288.

gnomAD v4.1: 5 of 1,613,480 alleles (0.00031%); highest among the groups gnomAD compares: African/African-American, 0.0013%; no homozygotes.

Submission:

Labcorp Genetics (formerly Invitae), Labcorp
Classification: Uncertain significance for Glycine encephalopathy. Last evaluated: 2024-09-06. Review status: criteria provided, single submitter. Criteria: Invitae Variant Classification Sherloc (09022015). Collection method: clinical testing. Allele origin: germline.
Comment: This sequence change replaces lysine, which is basic and polar, with threonine, which is neutral and polar, at codon 272 of the GLDC protein (p.Lys272Thr). This variant is not present in population databases (gnomAD no frequency). This variant has not been reported in the literature in individuals affected with GLDC-related conditions. ClinVar contains an entry for this variant (Variation ID: 2160383). Invitae Evidence Modeling of protein sequence and biophysical properties (such as structural, functional, and spatial information, amino acid conservation, physicochemical variation, residue mobility, and thermodynamic stability) indicates that this missense variant is not expected to disrupt GLDC protein function with a negative predictive value of 80%. In summary, the available evidence is currently insufficient to determine the role of this variant in disease. Therefore, it has been classified as a Variant of Uncertain Significance.

NM_000170.3(GLDC):c.815A>C (p.Lys272Thr)

Gene: GLDC (glycine decarboxylase; minus strand). Cytogenetic location: 9p24.1.
Variant type: single nucleotide variant.
Coding change: c.815A>C on transcript NM_000170.3 (MANE Select); coding-DNA position 815, A replaced by C.
Protein change: p.Lys272Thr; replaces lysine 272 with threonine.
Molecular consequence: missense variant.
Genome position (GRCh38, 1-based): chr9:6,605,177, T>G on the plus strand (A>C on the coding strand, the complement: GLDC is on the minus strand). VCF-style: chr9-6605177-T-G. GRCh37 (hg19) VCF-style: chr9-6605177-T-G.
Other names: short protein forms K272T.
Identifiers: ClinVar variation 2160383 (VCV002160383.4), dbSNP rs566939288, ClinGen allele CA188684691.